The following is an entry in ClinVar:

ClinVar aggregate classification (germline): Likely benign. Review status: criteria provided, multiple submitters, no conflicts (2 of 4 stars). 4 submissions from 4 submitters: Likely benign (3). 1 of the submissions does not count toward it. Last evaluated 2025-09-15.

Conditions:
Autosomal recessive nonsyndromic hearing loss 77. Identifiers: Orphanet 90636, MedGen C2746083, MONDO:0013119, OMIM 613079.

Allele frequency attached by ClinVar (database versions not stated): 1000 Genomes Project 30x 0.00016; gnomAD 0.00053; TOPMed 0.00066.
gnomAD v4.1: 237 of 1,551,906 alleles (0.015%); highest among the groups gnomAD compares: African/African-American, 0.16%; no homozygotes.

Submissions (4):

Labcorp Genetics (formerly Invitae), Labcorp
Classification: Likely benign. Last evaluated: 2025-09-15. Review status: criteria provided, single submitter. Criteria: Invitae Variant Classification Sherloc (09022015). Collection method: clinical testing. Allele origin: germline.

Mayo Clinic Laboratories, Mayo Clinic
Classification: Likely benign. Last evaluated: 2024-10-24. Review status: criteria provided, single submitter. Criteria: ACMG Guidelines, 2015. Collection method: clinical testing. Allele origin: germline. Observed: 1 variant allele.
Comment: BP4, BP7

GeneDx
Classification: Likely benign. Last evaluated: 2018-07-23. Review status: criteria provided, single submitter. Criteria: GeneDx Variant Classification Process June 2021. Collection method: clinical testing. Allele origin: germline. Affected: yes.

Natera, Inc.
Classification: Uncertain significance for Autosomal recessive deafness type 77. Last evaluated: 2020-01-17. Review status: no assertion criteria provided. Collection method: clinical testing. Allele origin: germline. Not counted in ClinVar's aggregate classification.

NM_001384474.1(LOXHD1):c.5693-8C>A

Gene: LOXHD1 (lipoxygenase homology PLAT domains 1; minus strand). Cytogenetic location: 18q21.1.
Variant type: single nucleotide variant.
Coding change: c.5693-8C>A on transcript NM_001384474.1 (MANE Select); 8 bases into the intron before coding-DNA position 5693, C replaced by A.
Molecular consequence: intron variant.
Genome position (GRCh38, 1-based): chr18:46,506,031, G>T on the plus strand (C>A on the coding strand, the complement: LOXHD1 is on the minus strand). VCF-style: chr18-46506031-G-T. GRCh37 (hg19) VCF-style: chr18-44085994-G-T.
Other names: p.?; c.2360-8C>A (NM_001145472.3); c.2072-8C>A (NM_001308013.2); c.410-8C>A (NM_001173129.2, NM_001145473.3); c.5507-8C>A (NM_144612.7).
Identifiers: ClinVar variation 738516 (VCV000738516.16), dbSNP rs544020946, ClinGen allele CA8952146.